The following is an entry in ClinVar:

ClinVar aggregate classification (germline): Likely benign. Review status: criteria provided, multiple submitters, no conflicts (2 of 4 stars). 3 submissions from 3 submitters: Likely benign (2). 1 of the submissions does not count toward it. Last evaluated 2026-07-01.

Conditions:
ALKBH8-related disorder. Also called: ALKBH8-related condition.

Allele frequency attached by ClinVar (database versions not stated): ExAC 0.00194; 1000 Genomes Project 0.00260; ESP Exome Variant Server 0.00263; gnomAD 0.00289; 1000 Genomes Project 30x 0.00312.
gnomAD v4.1: 5,757 of 1,551,404 alleles (0.37%); highest among the groups gnomAD compares: Non-Finnish European, 0.44%; 9 homozygotes.

Submissions (3):

CeGaT Center for Human Genetics Tuebingen
Classification: Likely benign. Last evaluated: 2026-07-01. Review status: criteria provided, single submitter. Criteria: CeGaT Center For Human Genetics Tuebingen Variant Classification Criteria Version 2. Collection method: clinical testing. Allele origin: germline. Affected: yes. Observed: 6 variant alleles.
Comment: ALKBH8: BS2

Blueprint Genetics
Classification: Likely benign. Last evaluated: 2024-11-25. Review status: criteria provided, single submitter. Criteria: ACMG Guidelines, 2015. Collection method: clinical testing. Allele origin: germline.

PreventionGenetics, part of Exact Sciences
Classification: Likely benign for ALKBH8-related condition. Last evaluated: 2023-01-18. Review status: no assertion criteria provided. Collection method: clinical testing. Allele origin: germline. Not counted in ClinVar's aggregate classification.
Comment: This variant is classified as likely benign based on ACMG/AMP sequence variant interpretation guidelines (Richards et al. 2015 PMID: 25741868, with internal and published modifications).

NM_138775.3(ALKBH8):c.1420C>A (p.His474Asn)

Gene: ALKBH8 (alkB homolog 8, tRNA methyltransferase; minus strand). Cytogenetic location: 11q22.3.
Variant type: single nucleotide variant.
Coding change: c.1420C>A on transcript NM_138775.3 (MANE Select); coding-DNA position 1420, C replaced by A.
Protein change: p.His474Asn; replaces histidine 474 with asparagine.
Molecular consequence: missense variant. On other transcripts: non-coding transcript variant (4), intron variant (1).
Genome position (GRCh38, 1-based): chr11:107,510,904, G>T on the plus strand (C>A on the coding strand, the complement: ALKBH8 is on the minus strand). VCF-style: chr11-107510904-G-T. GRCh37 (hg19) VCF-style: chr11-107381630-G-T.
Other names: c.1420C>A, p.His474Asn (NM_001301010.3); c.1288-5689C>A (NM_001378133.1); c.1429C>A (NM_001301010.1); short protein forms H474N.
Identifiers: ClinVar variation 1711325 (VCV001711325.32), dbSNP rs183627082, ClinGen allele CA6261040.
Genomic context (GRCh38, chr11:107,510,904, plus strand): 5'-GCTTTAGCTACAAGTTCTTAAGAGAAAGAAAGACCATACTTACTGCTGTTGCAAAATGAT[G>T]AATAACAGCAATGGAGATGCAGGCATCACAAGACCCACTGCGGACTGGTACTGCCAATGC-3'
Protein context (NP_620130.2, residues 464-484): CDACISIAVI[His474Asn]HFATAERRVA